The following is an entry in ClinVar:

ClinVar aggregate classification (germline): Benign (1 of 4 stars; one submission).

Allele frequency attached by ClinVar (database versions not stated): gnomAD exomes 0.22322; TOPMed 0.26957; gnomAD 0.27413 and 0.27864; 1000 Genomes Project 30x 0.27592; 1000 Genomes Project 0.27636.
gnomAD v4.1: 227,776 of 984,932 alleles (23%); highest among the groups gnomAD compares: African/African-American, 37%; 27,064 homozygotes.

Submission:

GeneDx
Classification: Benign. Last evaluated: 2018-06-19. Review status: criteria provided, single submitter. Criteria: GeneDx Variant Classification (06012015). Collection method: clinical testing. Allele origin: germline. Affected: yes.
Comment: This variant is considered likely benign or benign based on one or more of the following criteria: it is a conservative change, it occurs at a poorly conserved position in the protein, it is predicted to be benign by multiple in silico algorithms, and/or has population frequency not consistent with disease.

NM_005682.7(ADGRG1):c.1287-252C>T

Gene: ADGRG1 (adhesion G protein-coupled receptor G1; plus strand). Cytogenetic location: 16q21.
Variant type: single nucleotide variant.
Coding change: c.1287-252C>T on transcript NM_005682.7; 252 bases into the intron before coding-DNA position 1287, C replaced by T.
Genome position (GRCh38, 1-based): chr16:57,659,143, C>T. VCF-style: chr16-57659143-C-T. GRCh37 (hg19) VCF-style: chr16-57693055-C-T.
Other names: c.1287-270C>T (NM_001370440.1, NM_001370436.1, NM_001370438.1 and 8 more transcripts); c.1287-252C>T (NM_001370428.1, NM_001370430.1, NM_001370431.1 and 3 more transcripts); c.777-252C>T (NM_001290142.2); c.762-270C>T (NM_001370451.1, NM_001370453.1, NM_001370454.1 and 1 more transcripts); c.762-252C>T (NM_001290143.2); c.1284-252C>T (NM_001370434.1); c.1131-270C>T (NM_001370442.1); c.1302-270C>T (NM_001370433.1, NM_001145773.3); and 1 more.
Identifiers: ClinVar variation 683315 (VCV000683315.2), dbSNP rs16958674, ClinGen allele CA14266503.